The following is an entry in ClinVar:

ClinVar aggregate classification (germline): Likely benign (1 of 4 stars; one submission).

Conditions:
CEP78-related disorder. Also called: CEP78-related condition.

Submission:

PreventionGenetics, part of Exact Sciences
Classification: Likely benign for CEP78-related condition. Last evaluated: 2025-06-23. Review status: criteria provided, single submitter. Criteria: ACMG Guidelines, 2015. Collection method: clinical testing. Allele origin: germline.
Comment: This variant is classified as likely benign based on ACMG/AMP sequence variant interpretation guidelines (Richards et al. 2015 PMID: 25741868, with internal and published modifications).

NM_001330691.3(CEP78):c.604-10dup

Gene: CEP78 (centrosomal protein 78; plus strand). Cytogenetic location: 9q21.2.
Variant type: Duplication.
Coding change: c.604-10dup on transcript NM_001330691.3 (MANE Select); 10 bases into the intron before coding-DNA position 604, one base duplicated (A; older notation c.604-10dupA).
Molecular consequence: intron variant.
Genome position (GRCh38, 1-based): chr9:78,243,452, A duplicated; the last of 3 consecutive A bases (chr9:78,243,450-78,243,452); duplicating any one gives the same sequence. VCF-style (leftmost placement, unchanged base first): chr9-78243449-T-TA. GRCh37 (hg19) VCF-style: chr9-80858365-T-TA.
Other names: c.604-10dup (NM_001349839.2, NM_001349840.2, NM_001330693.3 and 4 more transcripts).
Identifiers: ClinVar variation 4983709 (VCV004983709.1).